The following is an entry in ClinVar:

ClinVar aggregate classification (germline): Pathogenic. Review status: criteria provided, multiple submitters, no conflicts (2 of 4 stars). 19 submissions from 19 submitters: Pathogenic (18). 1 of the submissions does not count toward it. Last evaluated 2026-09-01.

Conditions:
Schizophrenia 15 (SCZD15). Also called: SCHIZOPHRENIA SUSCEPTIBILITY LOCUS, CHROMOSOME 22q13-RELATED. Identifiers: MedGen C3151380, MONDO:0013498, OMIM 613950.
Phelan-McDermid syndrome. Also called: 22q13.3 deletion syndrome; TELOMERIC 22q13 MONOSOMY SYNDROME; Phelan-McDermid Syndrome-SHANK3 Related. Identifiers: Orphanet 48652, MedGen C1853490, MONDO:0011652, OMIM 606232.
SHANK3-related disorder. Also called: SHANK3-related condition.
Neurodevelopmental disorder. Identifiers: MedGen C1535926, MeSH D065886, MONDO:0700092.
Inborn genetic diseases. Identifiers: MedGen C0950123, MeSH D030342.
Autism spectrum disorder. Also called: Autism spectrum disorders. Identifiers: MedGen C1510586, MeSH D000067877, MONDO:0005258.

Submissions (19):

CeGaT Center for Human Genetics Tuebingen
Classification: Pathogenic. Last evaluated: 2026-09-01. Review status: criteria provided, single submitter. Criteria: CeGaT Center For Human Genetics Tuebingen Variant Classification Criteria Version 2. Collection method: clinical testing. Allele origin: germline. Affected: yes. Observed: 4 variant alleles.
Comment: SHANK3: PVS1, PS2, PS4, PM2

Center for Human Genetics and Genomic Medicine, Uniklinik Rwth Aachen
Classification: Pathogenic for Phelan-McDermid syndrome. Last evaluated: 2026-03-27. Review status: criteria provided, single submitter. Criteria: ACMG Guidelines, 2015. Collection method: clinical testing. Allele origin: germline. Affected: yes.

Institute of Human Genetics, University of Leipzig Medical Center
Classification: Pathogenic for Phelan-McDermid syndrome. Last evaluated: 2026-02-24. Review status: criteria provided, single submitter. Criteria: ACMG Guidelines, 2015. Collection method: clinical testing. Allele origin: unknown. Inheritance: Autosomal dominant inheritance. Affected: yes.
Comment: Criteria applied: PVS1,PS2_VSTR,PS4

Ambry Genetics
Classification: Pathogenic for Inborn genetic diseases. Last evaluated: 2025-04-23. Review status: criteria provided, single submitter. Criteria: Ambry Variant Classification Scheme 2023. Collection method: clinical testing. Allele origin: germline.
Comment: The c.3679dupG (p.A1227Gfs*69) alteration, located in exon 21 (coding exon 21) of the SHANK3 gene, consists of a duplication of G at position 3679, causing a translational frameshift with a predicted alternate stop codon after 69 amino acids. This alteration is expected to result in loss of function by premature protein truncation or nonsense-mediated mRNA decay. Based on data from gnomAD, this allele has an overall frequency of 0.01% (16/160994) total alleles studied; however, this variant was flagged as a low confidence call. This has been reported to be a recurrent variant in individuals with features consistent with Phelan-McDermid syndrome, often occurring de novo (Durand, 2007; De Rubeis, 2018; Loureiro, 2021). Based on the available evidence, this alteration is classified as pathogenic.

PreventionGenetics, part of Exact Sciences
Classification: Pathogenic for SHANK3-related condition. Last evaluated: 2025-01-07. Review status: criteria provided, single submitter. Criteria: ACMG Guidelines, 2015. Collection method: clinical testing. Allele origin: germline.
Comment: The SHANK3 c.3679dupG variant is predicted to result in a frameshift and premature protein termination (p.Ala1227Glyfs*69). This variant has been reported in many individuals with Phelan-McDermid syndrome or autism spectrum disorder. The variant was reported de novo in several of these individuals and inherited from mosaic parents in others (see, for example, Durand et al. 2007. PubMed ID: 17173049; De Rubeis et al. 2018. PubMed ID: 29719671; Loureiro et al. 2021. PubMed ID: 34737294). In vitro and in vivo experimental studies suggest this variant impacts protein function (referred to as Shank3^STOP, Durand et al. 2012. PubMed ID: 21606927; referred to as InsG, Arons et al. 2012. PubMed ID: 23100419; referred to as InsG3680, Zhou et al. 2016. PubMed ID: 26687841). This variant is reported in 0.014% of alleles in individuals of European (Non-Finnish) descent in gnomAD. Frameshift variants in SHANK3 are expected to be pathogenic. This variant is interpreted as pathogenic.

Greenwood Genetic Center Diagnostic Laboratories, Greenwood Genetic Center
Classification: Pathogenic for Phelan-McDermid syndrome. Last evaluated: 2023-03-09. Review status: criteria provided, single submitter. Criteria: ACMG Guidelines, 2015. Collection method: clinical testing. Allele origin: germline. Affected: yes.
Comment: PVS1, PS2

Fulgent Genetics
Classification: Pathogenic for Phelan-McDermid syndrome; Schizophrenia 15. Last evaluated: 2022-02-01. Review status: criteria provided, single submitter. Criteria: ACMG Guidelines, 2015. Collection method: clinical testing. Allele origin: unknown.

GeneDx
Classification: Pathogenic. Last evaluated: 2022-01-14. Review status: criteria provided, single submitter. Criteria: GeneDx Variant Classification Process June 2021. Collection method: clinical testing. Allele origin: germline. Affected: yes.
Comment: Reported in two male siblings with autism with presumed germline mosaicism in their mother (Durand et al., 2007); Frameshift variant predicted to result in protein truncation or nonsense mediated decay in a gene for which loss-of-function is a known mechanism of disease; This variant is associated with the following publications: (PMID: 32050889, 33256793, 21565394, 21606927, 23100419, 25356970, 17173049, 29719671, 30763456, 34737294, 33619735)

MGZ Medical Genetics Center
Classification: Pathogenic for Phelan-McDermid syndrome. Last evaluated: 2021-11-03. Review status: criteria provided, single submitter. Criteria: ACMG Guidelines, 2015. Collection method: clinical testing. Allele origin: germline. Affected: yes. Observed: 1 variant allele.
Comment: ACMG criteria applied: PVS1, PS2, PS4, BS2

CENTOGENE GmbH and LLC - Guiding Precision Medicine
Classification: Pathogenic for Phelan-McDermid syndrome. Last evaluated: 2021-10-06. Review status: criteria provided, single submitter. Criteria: ACMG Guidelines, 2015. Collection method: clinical testing. Allele origin: de novo. Affected: yes.

Laboratory of Molecular Genetics (Pr. Bezieau's lab), CHU de Nantes
Classification: Pathogenic for Neurodevelopmental disorder. Last evaluated: 2020-09-14. Review status: criteria provided, single submitter. Criteria: ACMG Guidelines, 2015. Collection method: clinical testing. Allele origin: germline. Affected: yes.

Institute of Human Genetics, Clinical Exome/Genome Diagnostics Group, University Hospital Bonn
Classification: Pathogenic for Phelan-McDermid syndrome. Last evaluated: 2020-08-14. Review status: criteria provided, single submitter. Criteria: ACMG Guidelines, 2015. Collection method: clinical testing. Allele origin: germline. Affected: yes.

Illumina Laboratory Services, Illumina
Classification: Pathogenic for Phelan-McDermid syndrome. Last evaluated: 2019-09-17. Review status: criteria provided, single submitter. Criteria: ICSLVariantClassificationCriteria RUGD 01 April 2020. Collection method: clinical testing. Allele origin: unknown.
Comment: The SHANK3 c.3679dupG p.(Ala1227GlyTer56) variant, also referred to as p.(Ala1214GlyTer69), p.(Ala1227Glyfs), or p.(Ala1243GlyfsTer69), causes a shift in the protein reading frame that is predicted to result in premature termination of the protein. Loss of normal protein function through either protein truncation or nonsense-mediated mRNA decay is expected. This variant has been identified in individuals with a phenotype consistent with Phelan-McDermid syndrome (Durand et al. 2007; O'Roak et al. 2014; De Rubeis et al. 2018; Zhou et al. 2019). De novo inheritance was confirmed in four of the cases as well as germline mosaicism in a sibling pair who inherited the variant from the mother. This variant is not observed in version 2.1.1 of the Genome Aggregation Database. The Ala1227 residue lies in exon 21, which has been shown to be a hotspot for de novo variants resulting in loss of function (De Rubeis et al. 2018). Based on the collective evidence, the c.3679dupG p.(Ala1227GlyTer56) variant is classified as pathogenic for Phelan-McDermid syndrome.

Liping Wei Laboratory, Peking University
Classification: Pathogenic for Autism spectrum disorder. Last evaluated: 2018-08-01. Review status: criteria provided, single submitter. Criteria: Zhou et al. (Hum Mutat. 2019). Collection method: research. Allele origin: unknown, de novo. Affected: yes. Observed: 2 variant alleles.

Institute of Human Genetics Munich, TUM University Hospital
Classification: Pathogenic for Phelan-McDermid syndrome. Last evaluated: 2018-02-07. Review status: criteria provided, single submitter. Criteria: Classification criteria August 2017. Collection method: clinical testing. Allele origin: de novo. Inheritance: Autosomal dominant inheritance. Affected: yes. Observed: 1 heterozygote.

Department of Genetics, Rouen University Hospital, Normandy Center for Genomic and Personalized Medicine
Classification: Pathogenic for Autism spectrum disorder. Review status: criteria provided, single submitter. Criteria: ACMG Guidelines, 2015. Collection method: clinical testing. Allele origin: unknown. Affected: yes.

Institute for Genomic Statistics and Bioinformatics, University Hospital Bonn
Classification: Pathogenic for Phelan-McDermid syndrome. Review status: criteria provided, single submitter. Criteria: ACMG Guidelines, 2015. Collection method: clinical testing. Allele origin: de novo. Inheritance: Autosomal dominant inheritance. Affected: yes. Observed: 1 heterozygote.
Comment: PVS1, PS2, PS3, PP5

Laboratoire de Génétique Moléculaire, CHU Bordeaux
Classification: Pathogenic. Review status: criteria provided, single submitter. Criteria: ACMG Guidelines, 2015. Collection method: clinical testing. Allele origin: germline. Affected: yes.

OMIM
Classification: Pathogenic for PHELAN-MCDERMID SYNDROME. Last evaluated: 2007-01-01. Review status: no assertion criteria provided. Collection method: literature only. Allele origin: germline. Not counted in ClinVar's aggregate classification.

Literature cited by the submitters: PubMed 17173049 (cited by Ambry Genetics and OMIM); PubMed 29719671 (cited by Ambry Genetics); PubMed 34737294 (cited by Ambry Genetics).

NM_001372044.2(SHANK3):c.3904dup (p.Ala1302fs)

Gene: SHANK3 (SH3 and multiple ankyrin repeat domains 3; plus strand). Cytogenetic location: 22q13.33.
Variant type: Duplication.
Coding change: c.3904dup on transcript NM_001372044.2 (MANE Select); coding-DNA position 3904, one base duplicated (G; older notation c.3904dupG).
Protein change: p.Ala1302fs; shifts the reading frame from alanine 1302.
Molecular consequence: frameshift variant.
Genome position (GRCh38, 1-based): chr22:50,721,512, G duplicated; the last of 8 consecutive G bases (chr22:50,721,505-50,721,512); duplicating any one gives the same sequence. VCF-style (leftmost placement, unchanged base first): chr22-50721504-T-TG. GRCh37 (hg19) VCF-style: chr22-51159932-T-TG.
Other names: NM_001080420.1:c.3727dupG; c.3679dupG (NM_033517.1); c.3904dup (NM_001372044.1); c.3679dup, p.Ala1227fs (NM_033517.1); short protein forms A1227fs, A1302fs.
Identifiers: ClinVar variation 208759 (VCV000208759.59), dbSNP rs762292772, ClinGen allele CA204839.
Genomic context (GRCh38, chr22:50,721,504, plus strand): 5'-AGCGGCCAGCTGGCCTCATCGTTGTGCACGCCACCAGCAACGGGCAGGAGCCCAGCAGGC[T>TG]GGGGGGGGCCGAAGAGGAGCGCCCGGGCACCCCGGAGTTGGCCCCGGCCCCCATGCAGTC-3'